The following is an entry in ClinVar:

ClinVar aggregate classification (germline): Uncertain significance. Review status: criteria provided, multiple submitters, no conflicts (2 of 4 stars). 3 submissions from 3 submitters: Uncertain significance (3). Last evaluated 2024-07-01.

Conditions:
Microcephaly, normal intelligence and immunodeficiency (NBS). Also called: BERLIN BREAKAGE SYNDROME; Ataxia telangiectasia variant V1; IMMUNODEFICIENCY, MICROCEPHALY, AND CHROMOSOMAL INSTABILITY; SEEMANOVA SYNDROME II; Immunodeficiency, microcephaly with normal intelligence; Nijmegen breakage syndrome. Identifiers: Orphanet 647, MedGen C0398791, MONDO:0009623, OMIM 251260.
Hereditary cancer-predisposing syndrome. Also called: Tumor predisposition; Neoplastic Syndromes, Hereditary; Hereditary Cancer Syndrome; Hereditary neoplastic syndrome. Identifiers: Orphanet 140162, MedGen C0027672, MeSH D009386, MONDO:0015356.

Submissions (3):

Labcorp Genetics (formerly Invitae), Labcorp
Classification: Uncertain significance for Microcephaly, normal intelligence and immunodeficiency. Last evaluated: 2024-07-01. Review status: criteria provided, single submitter. Criteria: Invitae Variant Classification Sherloc (09022015). Collection method: clinical testing. Allele origin: germline.
Comment: This sequence change replaces arginine, which is basic and polar, with glycine, which is neutral and non-polar, at codon 28 of the NBN protein (p.Arg28Gly). This variant is not present in population databases (gnomAD no frequency). This variant has not been reported in the literature in individuals affected with NBN-related conditions. ClinVar contains an entry for this variant (Variation ID: 629040). An algorithm developed to predict the effect of missense changes on protein structure and function (PolyPhen-2) suggests that this variant is likely to be disruptive. In summary, the available evidence is currently insufficient to determine the role of this variant in disease. Therefore, it has been classified as a Variant of Uncertain Significance.

Ambry Genetics
Classification: Uncertain significance for Hereditary cancer-predisposing syndrome. Last evaluated: 2024-05-05. Review status: criteria provided, single submitter. Criteria: Ambry Variant Classification Scheme 2023. Collection method: clinical testing. Allele origin: germline.
Comment: The p.R28G variant (also known as c.82A>G), located in coding exon 2 of the NBN gene, results from an A to G substitution at nucleotide position 82. The arginine at codon 28 is replaced by glycine, an amino acid with dissimilar properties. This amino acid position is conserved. In addition, this alteration is predicted to be deleterious by in silico analysis. Based on the available evidence, the clinical significance of this variant remains unclear.

Genome-Nilou Lab
Classification: Uncertain significance for Microcephaly, normal intelligence and immunodeficiency. Last evaluated: 2021-11-07. Review status: criteria provided, single submitter. Criteria: ACMG Guidelines, 2015. Collection method: clinical testing. Allele origin: germline. Affected: no.

NM_002485.5(NBN):c.82A>G (p.Arg28Gly)

Gene: NBN (nibrin; minus strand). Cytogenetic location: 8q21.3.
Variant type: single nucleotide variant.
Coding change: c.82A>G on transcript NM_002485.5 (MANE Select); coding-DNA position 82, A replaced by G.
Protein change: p.Arg28Gly; replaces arginine 28 with glycine.
Molecular consequence: missense variant. On other transcripts: 5 prime UTR variant (1).
Genome position (GRCh38, 1-based): chr8:89,982,811, T>C on the plus strand (A>G on the coding strand, the complement: NBN is on the minus strand). VCF-style: chr8-89982811-T-C. GRCh37 (hg19) VCF-style: chr8-90995039-T-C.
Other names: c.-215A>G (NM_001024688.3); short protein forms R28G.
Identifiers: ClinVar variation 629040 (VCV000629040.14), dbSNP rs1563584545, ClinGen allele CA371663424.